The following is an entry in ClinVar:

ClinVar aggregate classification (germline): Likely benign. Review status: criteria provided, multiple submitters, no conflicts (2 of 4 stars). 2 submissions from 2 submitters: Likely benign (2). Last evaluated 2025-10-13.

Conditions:
Breast-ovarian cancer, familial, susceptibility to, 4. Identifiers: Orphanet 145, MedGen C3280345, MONDO:0013669, OMIM 614291.

Allele frequency attached by ClinVar (database versions not stated): ExAC 0.00001; gnomAD exomes 0.00001.
gnomAD v4.1: 8 of 1,530,058 alleles (0.00052%); highest among the groups gnomAD compares: East Asian, 0.018%; no homozygotes.

Submissions (2):

Labcorp Genetics (formerly Invitae), Labcorp
Classification: Likely benign for Breast-ovarian cancer, familial, susceptibility to, 4. Last evaluated: 2025-10-13. Review status: criteria provided, single submitter. Criteria: Invitae Variant Classification Sherloc (09022015). Collection method: clinical testing. Allele origin: germline.

Myriad Genetics, Inc.
Classification: Likely benign for Breast-ovarian cancer, familial, susceptibility to, 4. Last evaluated: 2025-02-20. Review status: criteria provided, single submitter. Criteria: Myriad Autosomal Dominant, Autosomal Recessive and X-Linked Classification Criteria (2023). Collection method: clinical testing. Allele origin: unknown.
Comment: This variant is considered likely benign. This variant is intronic and is not expected to impact mRNA splicing.

NM_002878.4(RAD51D):c.264-8G>A

Genes: RAD51D (RAD51 paralog D; minus strand), RAD51L3-RFFL (RAD51L3-RFFL readthrough; minus strand). Cytogenetic location: 17q12.
Variant type: single nucleotide variant.
Coding change: c.264-8G>A on transcript NM_002878.4 (MANE Select); 8 bases into the intron before coding-DNA position 264, G replaced by A.
Molecular consequence: intron variant.
Genome position (GRCh38, 1-based): chr17:35,107,455, C>T on the plus strand (G>A on the coding strand, the complement: RAD51D is on the minus strand). VCF-style: chr17-35107455-C-T. GRCh37 (hg19) VCF-style: chr17-33434474-C-T.
Other names: c.145-974G>A (NM_133629.3); c.324-8G>A (NM_001142571.2).
Identifiers: ClinVar variation 539870 (VCV000539870.12), dbSNP rs759532599, ClinGen allele CA8499529.